The following is an entry in ClinVar:

NM_000860.6(HPGD):c.686T>A (p.Leu229Ter)

Gene: HPGD (15-hydroxyprostaglandin dehydrogenase; minus strand). Cytogenetic location: 4q34.1.
Variant type: single nucleotide variant.
Coding change: c.686T>A on transcript NM_000860.6 (MANE Select); coding-DNA position 686, T replaced by A.
Protein change: p.Leu229Ter; replaces leucine 229 with a stop codon.
Molecular consequence: nonsense. On other transcripts: synonymous variant (1), 3 prime UTR variant (1).
Genome position (GRCh38, 1-based): chr4:174,492,071, A>T on the plus strand (T>A on the coding strand, the complement: HPGD is on the minus strand). VCF-style: chr4-174492071-A-T. GRCh37 (hg19) VCF-style: chr4-175413222-A-T.
Other names: c.522T>A, p.Ile174= (NM_001145816.3); c.323T>A, p.Leu108Ter (NM_001256301.1, NM_001256307.2); c.*13T>A (NM_001256305.2); c.482T>A, p.Leu161Ter (NM_001256306.2); short protein forms L108*, L161*, L229*.
Identifiers: ClinVar variation 4850670 (VCV004850670.1).
Genomic context (GRCh38, chr4:174,492,071, plus strand): 5'-TTAGAAGTTGTGATCTTCATAATAGCACCATTTAAAGCATCATCTTCAATGAGTGTTATC[A>T]ATCCATTGGCAATCAATGGTGGGCTAAAAATAAAGAAAACAGTATTTTGAAACGAAAGAA-3'

ClinVar aggregate classification (germline): Likely pathogenic (1 of 4 stars; one submission).

Conditions:
Isolated congenital digital clubbing. Also called: ACROPACHY, HEREDITARY; CLUBBING OF DIGITS. Identifiers: Orphanet 217059, MedGen C0345408, MONDO:0007343, OMIM 119900.
Hypertrophic osteoarthropathy, primary, autosomal recessive, 1 (PHOAR1). Also called: PHO, AUTOSOMAL RECESSIVE. Identifiers: Orphanet 1525, Orphanet 2796, MedGen C4551679, MONDO:0024546, OMIM 259100.

Submission:

First Genomix Gene Laboratory, Genetic Diagnostics Department
Classification: Likely pathogenic for Isolated congenital digital clubbing; Hypertrophic osteoarthropathy, primary, autosomal recessive, 1. Last evaluated: 2025-07-31. Review status: criteria provided, single submitter. Criteria: ACMG Guidelines, 2015. Collection method: clinical testing. Allele origin: germline. Inheritance: Autosomal recessive inheritance. Affected: no. Observed: 1 variant allele.